The following is an entry in ClinVar:

ClinVar aggregate classification (germline): Uncertain significance (1 of 4 stars; one submission).

gnomAD v4.1: 17 of 1,613,420 alleles (0.0011%); highest among the groups gnomAD compares: Non-Finnish European, 0.0014%; no homozygotes.

Submission:

Labcorp Genetics (formerly Invitae), Labcorp
Classification: Uncertain significance. Last evaluated: 2025-08-23. Review status: criteria provided, single submitter. Criteria: Invitae Variant Classification Sherloc (09022015). Collection method: clinical testing. Allele origin: germline.
Comment: This sequence change replaces glycine, which is neutral and non-polar, with arginine, which is basic and polar, at codon 121 of the FRAS1 protein (p.Gly121Arg). This variant is not present in population databases (gnomAD no frequency). This variant has not been reported in the literature in individuals affected with FRAS1-related conditions. An algorithm developed to predict the effect of missense changes on protein structure and function (PolyPhen-2) suggests that this variant is likely to be disruptive. In summary, the available evidence is currently insufficient to determine the role of this variant in disease. Therefore, it has been classified as a Variant of Uncertain Significance.

NM_025074.7(FRAS1):c.361G>A (p.Gly121Arg)

Gene: FRAS1 (Fraser extracellular matrix complex subunit 1; plus strand). Cytogenetic location: 4q21.21.
Variant type: single nucleotide variant.
Coding change: c.361G>A on transcript NM_025074.7 (MANE Select); coding-DNA position 361, G replaced by A.
Protein change: p.Gly121Arg; replaces glycine 121 with arginine.
Molecular consequence: missense variant.
Genome position (GRCh38, 1-based): chr4:78,252,443, G>A. VCF-style: chr4-78252443-G-A. GRCh37 (hg19) VCF-style: chr4-79173597-G-A.
Other names: c.361G>A, p.Gly121Arg (NM_001166133.2); short protein forms G121R.
Identifiers: ClinVar variation 4747809 (VCV004747809.1).